The following is an entry in ClinVar:

NM_080916.3(DGUOK):c.255+277T>A

Gene: DGUOK (deoxyguanosine kinase; plus strand). Cytogenetic location: 2p13.1.
Variant type: single nucleotide variant.
Coding change: c.255+277T>A on transcript NM_080916.3 (MANE Select); 277 bases into the intron after coding-DNA position 255, T replaced by A.
Molecular consequence: intron variant.
Genome position (GRCh38, 1-based): chr2:73,939,299, T>A. VCF-style: chr2-73939299-T-A. GRCh37 (hg19) VCF-style: chr2-74166426-T-A.
Other names: c.-37+6616T>A (NM_001318861.2, NM_001318862.2); c.255+277T>A (NM_080918.3, NM_001318859.2); c.-36-7420T>A (NM_001318860.2, NM_001318863.2).
Identifiers: ClinVar variation 669482 (VCV000669482.1), dbSNP rs59485700, ClinGen allele CA50404510.
Genomic context (GRCh38, chr2:73,939,299, plus strand): 5'-CTGCCTCTGTTGTTTGTGGTTTCCCAAAGCATGTCCAACCATCATGGATGGCTTTGAAGA[T>A]GAATTTTGTCATTCCTACACTTAAGTATTTATATTATTACTTAAGCTAACCACTAGGATT-3'

ClinVar aggregate classification (germline): Benign (1 of 4 stars; one submission).

Allele frequency attached by ClinVar (database versions not stated): gnomAD 0.07342 and 0.07477; 1000 Genomes Project 0.07448; 1000 Genomes Project 30x 0.07573; TOPMed 0.07657.
gnomAD v4.1: 11,169 of 152,282 alleles (7.3%); highest among the groups gnomAD compares: African/African-American, 14%; 538 homozygotes.

Submission:

GeneDx
Classification: Benign. Last evaluated: 2018-06-14. Review status: criteria provided, single submitter. Criteria: GeneDx Variant Classification (06012015). Collection method: clinical testing. Allele origin: germline. Affected: yes.
Comment: This variant is considered likely benign or benign based on one or more of the following criteria: it is a conservative change, it occurs at a poorly conserved position in the protein, it is predicted to be benign by multiple in silico algorithms, and/or has population frequency not consistent with disease.